The following is an entry in ClinVar:

ClinVar aggregate classification (germline): Uncertain significance (1 of 4 stars; one submission).

Submission:

Labcorp Genetics (formerly Invitae), Labcorp
Classification: Uncertain significance. Last evaluated: 2025-05-18. Review status: criteria provided, single submitter. Criteria: Invitae Variant Classification Sherloc (09022015). Collection method: clinical testing. Allele origin: germline.
Comment: This variant, c.95_97dup, results in the insertion of 1 amino acid(s) of the ANKZF1 protein (p.Val32_Ser33insMet), but otherwise preserves the integrity of the reading frame. This variant is present in population databases (no rsID available, gnomAD 0.003%). This variant has not been reported in the literature in individuals affected with ANKZF1-related conditions. In summary, the available evidence is currently insufficient to determine the role of this variant in disease. Therefore, it has been classified as a Variant of Uncertain Significance.

NM_018089.3(ANKZF1):c.95_97dup (p.Val32_Ser33insMet)

Gene: ANKZF1 (ankyrin repeat and zinc finger peptidyl tRNA hydrolase 1; plus strand). Cytogenetic location: 2q35.
Variant type: Duplication.
Coding change: c.95_97dup on transcript NM_018089.3 (MANE Select); coding-DNA positions 95 to 97, 3 bases duplicated (TGA; older notation c.95_97dupTGA).
Protein change: p.Val32_Ser33insMet.
Molecular consequence: inframe insertion. On other transcripts: intron variant (1).
Genome position (GRCh38, 1-based): chr2:219,230,352-219,230,354, TGA duplicated. VCF-style (leftmost placement, unchanged base first): chr2-219230351-G-GTGA. GRCh37 (hg19) VCF-style: chr2-220095073-G-GTGA.
Other names: c.95_97dup, p.Val32_Ser33insMet (NM_001042410.2); c.-267+452_-267+454dup (NM_001282792.2).
Identifiers: ClinVar variation 4719767 (VCV004719767.1).